The following is an entry in ClinVar:

ClinVar aggregate classification (germline): Pathogenic (1 of 4 stars; one submission).

Conditions:
Familial hypocalciuric hypercalcemia (FHH). Also called: Familial benign hypercalcemia. Identifiers: Orphanet 405, MedGen C1809471, MONDO:0018458.
Autosomal dominant hypocalcemia 1 (HYPOC1). Also called: HYPOCALCEMIA, FAMILIAL. Identifiers: MedGen C3715128, MONDO:0011013, OMIM 601198.

Submission:

Labcorp Genetics (formerly Invitae), Labcorp
Classification: Pathogenic for Familial hypocalciuric hypercalcemia; Autosomal dominant hypocalcemia 1. Last evaluated: 2021-06-07. Review status: criteria provided, single submitter. Criteria: Invitae Variant Classification Sherloc (09022015). Collection method: clinical testing. Allele origin: germline.
Comment: For these reasons, this variant has been classified as Pathogenic. This variant has not been reported in the literature in individuals with CASR-related conditions. This variant is not present in population databases (ExAC no frequency). This sequence change creates a premature translational stop signal (p.Asn176Lysfs*81) in the CASR gene. It is expected to result in an absent or disrupted protein product. Loss-of-function variants in CASR are known to be pathogenic (PMID: 22422767).

Literature cited by the submitters: PubMed 22422767.

NM_000388.4(CASR):c.528del (p.Asn176fs)

Gene: CASR (calcium sensing receptor; plus strand). Cytogenetic location: 3q21.1.
Variant type: Deletion.
Coding change: c.528del on transcript NM_000388.4 (MANE Select); coding-DNA position 528, one base deleted (C; older notation c.528delC).
Protein change: p.Asn176fs; shifts the reading frame from asparagine 176.
Molecular consequence: frameshift variant.
Genome position (GRCh38, 1-based): chr3:122,261,563, C deleted. VCF-style (leftmost placement, unchanged base first): chr3-122261562-AC-A. GRCh37 (hg19) VCF-style: chr3-121980409-AC-A.
Other names: c.528del, p.Asn176fs (NM_001178065.2); short protein forms N176fs.
Identifiers: ClinVar variation 1378885 (VCV001378885.6), dbSNP rs2107631756, ClinGen allele CA2573136459.